The following is an entry in ClinVar:

NM_018557.3(LRP1B):c.10405G>A (p.Ala3469Thr)

Gene: LRP1B (LDL receptor related protein 1B; minus strand). Cytogenetic location: 2q22.1.
Variant type: single nucleotide variant.
Coding change: c.10405G>A on transcript NM_018557.3 (MANE Select); coding-DNA position 10405, G replaced by A.
Protein change: p.Ala3469Thr; replaces alanine 3469 with threonine.
Molecular consequence: missense variant.
Genome position (GRCh38, 1-based): chr2:140,442,513, C>T on the plus strand (G>A on the coding strand, the complement: LRP1B is on the minus strand). VCF-style: chr2-140442513-C-T. GRCh37 (hg19) VCF-style: chr2-141200082-C-T.
Other names: short protein forms A3469T.
Identifiers: ClinVar variation 3057357 (VCV003057357.2), dbSNP rs144998818, ClinGen allele CA1893412.

ClinVar aggregate classification (germline): Benign (0 of 4 stars; one submission).

Conditions:
LRP1B-related disorder. Also called: LRP1B-related condition.

Allele frequency attached by ClinVar (database versions not stated): gnomAD exomes 0.00014; ExAC 0.00034; gnomAD 0.00108; TOPMed 0.00139; 1000 Genomes Project 0.00140; ESP Exome Variant Server 0.00146; 1000 Genomes Project 30x 0.00156.
gnomAD v4.1: 388 of 1,612,418 alleles (0.024%); highest among the groups gnomAD compares: African/African-American, 0.44%; 2 homozygotes.

Submission:

PreventionGenetics, part of Exact Sciences
Classification: Benign for LRP1B-related condition. Last evaluated: 2019-02-28. Review status: no assertion criteria provided. Collection method: clinical testing. Allele origin: germline.
Comment: This variant is classified as benign based on ACMG/AMP sequence variant interpretation guidelines (Richards et al. 2015 PMID: 25741868, with internal and published modifications).